The following is an entry in ClinVar:

NM_024678.6(NARS2):c.1027-82T>C

Genes: NARS2 (asparaginyl-tRNA synthetase 2, mitochondrial; minus strand), LOC130006507 (ATAC-STARR-seq lymphoblastoid active region 5326; plus strand). Cytogenetic location: 11q14.1.
Variant type: single nucleotide variant.
Coding change: c.1027-82T>C on transcript NM_024678.6 (MANE Select); 82 bases into the intron before coding-DNA position 1027, T replaced by C.
Molecular consequence: intron variant.
Genome position (GRCh38, 1-based): chr11:78,466,095, A>G on the plus strand (T>C on the coding strand, the complement: NARS2 is on the minus strand). VCF-style: chr11-78466095-A-G. GRCh37 (hg19) VCF-style: chr11-78177141-A-G.
Other names: c.346-82T>C (NM_001243251.2).
Identifiers: ClinVar variation 672533 (VCV000672533.2), dbSNP rs115456691, ClinGen allele CA225100230.

ClinVar aggregate classification (germline): Benign. Review status: criteria provided, multiple submitters, no conflicts (2 of 4 stars). 2 submissions from 2 submitters: Benign (2). Last evaluated 2018-06-14.

Allele frequency attached by ClinVar (database versions not stated): gnomAD 0.01626 and 0.01728; TOPMed 0.01818; 1000 Genomes Project 0.02037; 1000 Genomes Project 30x 0.02108.
gnomAD v4.1: 4,698 of 1,404,168 alleles (0.33%); highest among the groups gnomAD compares: African/African-American, 5.6%; 98 homozygotes.

Submissions (2):

GeneDx
Classification: Benign. Last evaluated: 2018-06-14. Review status: criteria provided, single submitter. Criteria: GeneDx Variant Classification (06012015). Collection method: clinical testing. Allele origin: germline. Affected: yes.
Comment: This variant is considered likely benign or benign based on one or more of the following criteria: it is a conservative change, it occurs at a poorly conserved position in the protein, it is predicted to be benign by multiple in silico algorithms, and/or has population frequency not consistent with disease.

Breakthrough Genomics
Classification: Benign. Review status: criteria provided, single submitter. Criteria: ACMG Guidelines, 2015. Collection method: not provided. Allele origin: germline. Inheritance: Autosomal recessive inheritance. Affected: yes.